The following is an entry in ClinVar:

ClinVar aggregate classification (germline): Conflicting classifications of pathogenicity. Review status: criteria provided, conflicting classifications (1 of 4 stars). 2 submissions from 2 submitters: Uncertain significance (1); Likely benign (1). Last evaluated 2022-11-29.

Conditions:
Fanconi anemia complementation group J. Also called: BRIP1-Related Fanconi Anemia. Identifiers: Orphanet 84, MedGen C1836860, MONDO:0012187, OMIM 609054.
Familial cancer of breast. Also called: BREAST CANCER, FAMILIAL; hereditary breast carcinoma; Hereditary breast cancer. Identifiers: Orphanet 227535, MedGen C0346153, MONDO:0016419, OMIM 114480. Disease mechanism: loss of function.
Hereditary cancer-predisposing syndrome. Also called: Tumor predisposition; Neoplastic Syndromes, Hereditary; Hereditary Cancer Syndrome; Hereditary neoplastic syndrome. Identifiers: Orphanet 140162, MedGen C0027672, MeSH D009386, MONDO:0015356.

Allele frequency attached by ClinVar (database versions not stated): gnomAD exomes below 0.00001.
gnomAD v4.1: 1 of 1,609,388 alleles (0.000062%); highest among the groups gnomAD compares: Non-Finnish European, 0.000085%; no homozygotes.

Submissions (2):

Labcorp Genetics (formerly Invitae), Labcorp
Classification: Uncertain significance for Familial cancer of breast; Fanconi anemia complementation group J. Last evaluated: 2022-11-29. Review status: criteria provided, single submitter. Criteria: Invitae Variant Classification Sherloc (09022015). Collection method: clinical testing. Allele origin: germline.
Comment: This variant has not been reported in the literature in individuals affected with BRIP1-related conditions. In summary, the available evidence is currently insufficient to determine the role of this variant in disease. Therefore, it has been classified as a Variant of Uncertain Significance. Algorithms developed to predict the effect of sequence changes on RNA splicing suggest that this variant may disrupt the consensus splice site. ClinVar contains an entry for this variant (Variation ID: 491408). This variant is not present in population databases (gnomAD no frequency). This sequence change falls in intron 10 of the BRIP1 gene. It does not directly change the encoded amino acid sequence of the BRIP1 protein.

Color Diagnostics, LLC DBA Color Health
Classification: Likely benign for Hereditary cancer-predisposing syndrome. Last evaluated: 2015-10-20. Review status: criteria provided, single submitter. Criteria: ACMG Guidelines, 2015. Collection method: clinical testing. Allele origin: germline.

NM_032043.3(BRIP1):c.1474-10T>C

Gene: BRIP1 (BRCA1 interacting DNA helicase 1; minus strand). Cytogenetic location: 17q23.2.
Variant type: single nucleotide variant.
Coding change: c.1474-10T>C on transcript NM_032043.3 (MANE Select); 10 bases into the intron before coding-DNA position 1474, T replaced by C.
Molecular consequence: intron variant.
Genome position (GRCh38, 1-based): chr17:61,784,434, A>G on the plus strand (T>C on the coding strand, the complement: BRIP1 is on the minus strand). VCF-style: chr17-61784434-A-G. GRCh37 (hg19) VCF-style: chr17-59861795-A-G.
Identifiers: ClinVar variation 491408 (VCV000491408.8), dbSNP rs1555603645, ClinGen allele CA658684163.